The following is an entry in ClinVar:

NM_000350.3(ABCA4):c.2210T>A (p.Leu737Ter)

Gene: ABCA4 (ATP binding cassette subfamily A member 4; minus strand). Cytogenetic location: 1p22.1.
Variant type: single nucleotide variant.
Coding change: c.2210T>A on transcript NM_000350.3 (MANE Select); coding-DNA position 2210, T replaced by A.
Protein change: p.Leu737Ter; replaces leucine 737 with a stop codon.
Molecular consequence: nonsense.
Genome position (GRCh38, 1-based): chr1:94,056,773, A>T on the plus strand (T>A on the coding strand, the complement: ABCA4 is on the minus strand). VCF-style: chr1-94056773-A-T. GRCh37 (hg19) VCF-style: chr1-94522329-A-T.
Other names: short protein forms L737*.
Identifiers: ClinVar variation 811445 (VCV000811445.8), dbSNP rs1570387558, ClinGen allele CA341278013.
Genomic context (GRCh38, chr1:94,056,773, plus strand): 5'-TTGGAGAAGAAGGTGCTGAGCAGAAAGCACAGCATGATGGTGGCAGTGGAGAAAGCCAAC[A>T]AGAACAGGAAGAGGATGAATGGGTCGCTGTAATGTAGGATTCTTCCATGCTGAAACCAAG-3'

ClinVar aggregate classification (germline): Likely pathogenic (1 of 4 stars; one submission).

Submission:

ARUP Laboratories, Molecular Genetics and Genomics, ARUP Laboratories
Classification: Likely pathogenic. Last evaluated: 2019-06-05. Review status: criteria provided, single submitter. Criteria: ARUP Molecular Germline Variant Investigation Process. Collection method: clinical testing. Allele origin: germline.
Comment: The ABCA4 c.2210T>A; p.Leu737Ter variant, to our knowledge, is not reported in the medical literature or gene specific databases. This variant is also absent from general population databases (Exome Variant Server, Genome Aggregation Database), indicating it is not a common polymorphism. This variant induces an early termination codon and is predicted to result in a truncated protein or mRNA subject to nonsense-mediated decay. Considering available information, this variant is classified as likely pathogenic.